The following is an entry in ClinVar:

NM_005876.5(SPEG):c.7994G>A (p.Ser2665Asn)

Genes: ASIC4-AS1 (ASIC4 antisense RNA 1; minus strand), SPEG (striated muscle enriched protein kinase; plus strand). Cytogenetic location: 2q35.
Variant type: single nucleotide variant.
Coding change: c.7994G>A on transcript NM_005876.5 (MANE Select); coding-DNA position 7994, G replaced by A.
Protein change: p.Ser2665Asn; replaces serine 2665 with asparagine.
Molecular consequence: missense variant.
Genome position (GRCh38, 1-based): chr2:219,488,633, G>A. VCF-style: chr2-219488633-G-A. GRCh37 (hg19) VCF-style: chr2-220353355-G-A.
Other names: short protein forms S2665N.
Identifiers: ClinVar variation 1476864 (VCV001476864.4), dbSNP rs1255478129, ClinGen allele CA350707630.

ClinVar aggregate classification (germline): Uncertain significance (1 of 4 stars; one submission).

Allele frequency attached by ClinVar (database versions not stated): TOPMed below 0.00001; gnomAD 0.00001; gnomAD exomes 0.00002.
gnomAD v4.1: 11 of 1,608,930 alleles (0.00068%); highest among the groups gnomAD compares: Admixed American, 0.018%; no homozygotes.

Submission:

Labcorp Genetics (formerly Invitae), Labcorp
Classification: Uncertain significance. Last evaluated: 2021-08-03. Review status: criteria provided, single submitter. Criteria: Invitae Variant Classification Sherloc (09022015). Collection method: clinical testing. Allele origin: germline.
Comment: This sequence change replaces serine with asparagine at codon 2665 of the SPEG protein (p.Ser2665Asn). The serine residue is highly conserved and there is a small physicochemical difference between serine and asparagine. This variant is not present in population databases (ExAC no frequency). This variant has not been reported in the literature in individuals affected with SPEG-related conditions. Algorithms developed to predict the effect of missense changes on protein structure and function are either unavailable or do not agree on the potential impact of this missense change (SIFT: "Deleterious"; PolyPhen-2: "Possibly Damaging"; Align-GVGD: "Class C0"). In summary, the available evidence is currently insufficient to determine the role of this variant in disease. Therefore, it has been classified as a Variant of Uncertain Significance.